The following is an entry in ClinVar:

ClinVar aggregate classification (germline): Uncertain significance (1 of 4 stars; one submission).

Submission:

Labcorp Genetics (formerly Invitae), Labcorp
Classification: Uncertain significance. Last evaluated: 2024-11-12. Review status: criteria provided, single submitter. Criteria: Invitae Variant Classification Sherloc (09022015). Collection method: clinical testing. Allele origin: germline.
Comment: This sequence change replaces lysine, which is basic and polar, with asparagine, which is neutral and polar, at codon 417 of the SETBP1 protein (p.Lys417Asn). This variant is not present in population databases (gnomAD no frequency). This variant has not been reported in the literature in individuals affected with SETBP1-related conditions. Invitae Evidence Modeling of protein sequence and biophysical properties (such as structural, functional, and spatial information, amino acid conservation, physicochemical variation, residue mobility, and thermodynamic stability) indicates that this missense variant is not expected to disrupt SETBP1 protein function with a negative predictive value of 80%. In summary, the available evidence is currently insufficient to determine the role of this variant in disease. Therefore, it has been classified as a Variant of Uncertain Significance.

NM_015559.3(SETBP1):c.1251G>C (p.Lys417Asn)

Gene: SETBP1 (SET binding protein 1; plus strand). Cytogenetic location: 18q12.3.
Variant type: single nucleotide variant.
Coding change: c.1251G>C on transcript NM_015559.3 (MANE Select); coding-DNA position 1251, G replaced by C.
Protein change: p.Lys417Asn; replaces lysine 417 with asparagine.
Molecular consequence: missense variant.
Genome position (GRCh38, 1-based): chr18:44,950,591, G>C. VCF-style: chr18-44950591-G-C. GRCh37 (hg19) VCF-style: chr18-42530556-G-C.
Other names: c.1251G>C, p.Lys417Asn (NM_001379141.1, NM_001379142.1, NM_001410862.1); short protein forms K417N.
Identifiers: ClinVar variation 3632852 (VCV003632852.2).